The following is an entry in ClinVar:

NM_001040151.2(SCN3B):c.389C>T (p.Ala130Val)

Gene: SCN3B (sodium voltage-gated channel beta subunit 3; minus strand). Cytogenetic location: 11q24.1.
Variant type: single nucleotide variant.
Coding change: c.389C>T on transcript NM_001040151.2 (MANE Select); coding-DNA position 389, C replaced by T.
Protein change: p.Ala130Val; replaces alanine 130 with valine.
Molecular consequence: missense variant.
Genome position (GRCh38, 1-based): chr11:123,642,502, G>A on the plus strand (C>T on the coding strand, the complement: SCN3B is on the minus strand). VCF-style: chr11-123642502-G-A. GRCh37 (hg19) VCF-style: chr11-123513210-G-A.
Other names: c.389C>T, p.Ala130Val (NM_018400.4); short protein forms A130V.
Identifiers: ClinVar variation 140597 (VCV000140597.13), dbSNP rs587777556, ClinGen allele CA163437.

ClinVar aggregate classification (germline): Uncertain significance. Review status: criteria provided, multiple submitters, no conflicts (2 of 4 stars). 4 submissions from 4 submitters: Uncertain significance (3). 1 of the submissions does not count toward it. Last evaluated 2026-04-30.

Conditions:
Cardiovascular phenotype. Identifiers: MedGen CN230736.
Atrial fibrillation, familial, 16 (ATFB16). Identifiers: MedGen C4013699, MONDO:0800349.
Brugada syndrome 7 (BRGDA7). Identifiers: Orphanet 130, MedGen C2751088, MONDO:0013146, OMIM 613120.

Allele frequency attached by ClinVar (database versions not stated): TOPMed 0.00001; gnomAD 0.00001; ExAC 0.00002.
gnomAD v4.1: 29 of 1,614,036 alleles (0.0018%); highest among the groups gnomAD compares: South Asian, 0.0044%; 1 homozygote.

Submissions (4):

Ambry Genetics
Classification: Uncertain significance for Cardiovascular phenotype. Last evaluated: 2026-04-30. Review status: criteria provided, single submitter. Criteria: Ambry Variant Classification Scheme 2023. Collection method: clinical testing. Allele origin: germline.
Comment: The p.A130V variant (also known as c.389C>T), located in coding exon 3 of the SCN3B gene, results from a C to T substitution at nucleotide position 389. The alanine at codon 130 is replaced by valine, an amino acid with similar properties. This amino acid position is not well conserved in available vertebrate species. In addition, the in silico prediction for this alteration is inconclusive. The evidence for this gene-disease relationship is limited; therefore, the clinical significance of this variant is unclear.

Labcorp Genetics (formerly Invitae), Labcorp
Classification: Uncertain significance for Brugada syndrome 7. Last evaluated: 2020-07-30. Review status: criteria provided, single submitter. Criteria: Invitae Variant Classification Sherloc (09022015). Collection method: clinical testing. Allele origin: germline.
Comment: This variant has been reported to affect SCN3B protein function (PMID: 20558140). In summary, the available evidence is currently insufficient to determine the role of this variant in disease. Therefore, it has been classified as a Variant of Uncertain Significance. Algorithms developed to predict the effect of sequence changes on RNA splicing suggest that this variant may create or strengthen a splice site, but this prediction has not been confirmed by published transcriptional studies. This variant has been observed in individual(s) with atrial fibrillation (PMID: 20558140). ClinVar contains an entry for this variant (Variation ID: 140597). This variant is present in population databases (rs587777556, ExAC 0.009%). This sequence change replaces alanine with valine at codon 130 of the SCN3B protein (p.Ala130Val). The alanine residue is moderately conserved and there is a small physicochemical difference between alanine and valine.

GeneDx
Classification: Uncertain significance. Last evaluated: 2019-09-16. Review status: criteria provided, single submitter. Criteria: GeneDx Variant Classification Process June 2021. Collection method: clinical testing. Allele origin: germline. Affected: yes.
Comment: Not observed at a significant frequency in large population cohorts (Lek et al., 2016); Functional studies show the A130V variant decreased the cardiac sodium current density, but did not have a significant effect on the kinetics of activation, inactivation, and channel recovery from inactivation; however, when co-expressed with wild type SCN3B, A130V negated the function of wild type SCN3B (Wang et al., 2010); In silico analysis, which includes protein predictors and evolutionary conservation, supports that this variant does not alter protein structure/function; This variant is associated with the following publications: (PMID: 23557754, 21937582, 23838598, 25668026, 25175087, 21454796, 20558140, 26728597)

OMIM
Classification: Pathogenic for ATRIAL FIBRILLATION, FAMILIAL, 16. Last evaluated: 2010-07-16. Review status: no assertion criteria provided. Collection method: literature only. Allele origin: germline. Not counted in ClinVar's aggregate classification.

Literature cited by the submitters: PubMed 20558140 (cited by Labcorp Genetics (formerly Invitae), Labcorp and OMIM).